The following is an entry in ClinVar:

ClinVar aggregate classification (germline): Uncertain significance (1 of 4 stars; one submission).

Conditions:
Familial adenomatous polyposis 1 (FAP1). Also called: FAMILIAL ADENOMATOUS POLYPOSIS 1, ATTENUATED; POLYPOSIS, ADENOMATOUS INTESTINAL. Identifiers: MedGen C2713442, MONDO:0021056, OMIM 175100. Disease mechanism: loss of function.

Submission:

Labcorp Genetics (formerly Invitae), Labcorp
Classification: Uncertain significance for Familial adenomatous polyposis 1. Last evaluated: 2025-08-01. Review status: criteria provided, single submitter. Criteria: Invitae Variant Classification Sherloc (09022015). Collection method: clinical testing. Allele origin: germline.
Comment: This sequence change replaces asparagine, which is neutral and polar, with tyrosine, which is neutral and polar, at codon 1650 of the APC protein (p.Asn1650Tyr). This variant is not present in population databases (gnomAD no frequency). This variant has not been reported in the literature in individuals affected with APC-related conditions. ClinVar contains an entry for this variant (Variation ID: 949271). Invitae Evidence Modeling of protein sequence and biophysical properties (such as structural, functional, and spatial information, amino acid conservation, physicochemical variation, residue mobility, and thermodynamic stability) indicates that this missense variant is not expected to disrupt APC protein function with a negative predictive value of 95%. In summary, the available evidence is currently insufficient to determine the role of this variant in disease. Therefore, it has been classified as a Variant of Uncertain Significance.

NM_000038.6(APC):c.4948A>T (p.Asn1650Tyr)

Gene: APC (APC regulator of Wnt signaling pathway; plus strand). Cytogenetic location: 5q22.2.
Variant type: single nucleotide variant.
Coding change: c.4948A>T on transcript NM_000038.6 (MANE Select); coding-DNA position 4948, A replaced by T.
Protein change: p.Asn1650Tyr; replaces asparagine 1650 with tyrosine.
Molecular consequence: missense variant.
Genome position (GRCh38, 1-based): chr5:112,840,542, A>T. VCF-style: chr5-112840542-A-T. GRCh37 (hg19) VCF-style: chr5-112176239-A-T.
Other names: c.4948A>T, p.Asn1650Tyr (NM_001127510.3, NM_001354895.2); c.4675A>T, p.Asn1559Tyr (NM_001354902.2); c.4645A>T, p.Asn1549Tyr (NM_001354903.2); c.4570A>T, p.Asn1524Tyr (NM_001354904.2); c.4468A>T, p.Asn1490Tyr (NM_001354905.2); c.4099A>T, p.Asn1367Tyr (NM_001354906.2); c.4894A>T, p.Asn1632Tyr (NM_001127511.3); c.5002A>T, p.Asn1668Tyr (NM_001354896.2); and 5 more; short protein forms N1650Y, N1660Y, N1668Y, N1549Y, N1625Y, N1632Y, N1367Y, N1490Y.
Identifiers: ClinVar variation 949271 (VCV000949271.11), dbSNP rs1345725138, ClinGen allele CA16032166.